The following is an entry in ClinVar:

NM_003079.5(SMARCE1):c.250G>A (p.Val84Ile)

Gene: SMARCE1 (SWI/SNF related BAF chromatin remodeling complex subunit E1; minus strand). Cytogenetic location: 17q21.2.
Variant type: single nucleotide variant.
Coding change: c.250G>A on transcript NM_003079.5 (MANE Select); coding-DNA position 250, G replaced by A.
Protein change: p.Val84Ile; replaces valine 84 with isoleucine.
Molecular consequence: missense variant.
Genome position (GRCh38, 1-based): chr17:40,636,514, C>T on the plus strand (G>A on the coding strand, the complement: SMARCE1 is on the minus strand). VCF-style: chr17-40636514-C-T. GRCh37 (hg19) VCF-style: chr17-38792766-C-T.
Other names: short protein forms V84I.
Identifiers: ClinVar variation 1792377 (VCV001792377.2), dbSNP rs2508604696, ClinGen allele CA399367551.

ClinVar aggregate classification (germline): Uncertain significance (1 of 4 stars; one submission).

Conditions:
Hereditary cancer-predisposing syndrome. Also called: Hereditary Cancer Syndrome; Hereditary neoplastic syndrome; Tumor predisposition; Neoplastic Syndromes, Hereditary. Identifiers: Orphanet 140162, MedGen C0027672, MeSH D009386, MONDO:0015356.

Submission:

Ambry Genetics
Classification: Uncertain significance for Hereditary cancer-predisposing syndrome. Last evaluated: 2021-10-11. Review status: criteria provided, single submitter. Criteria: Ambry Variant Classification Scheme 2023. Collection method: clinical testing. Allele origin: germline.
Comment: The p.V84I variant (also known as c.250G>A), located in coding exon 5 of the SMARCE1 gene, results from a G to A substitution at nucleotide position 250. The valine at codon 84 is replaced by isoleucine, an amino acid with highly similar properties. This amino acid position is highly conserved in available vertebrate species. In addition, the in silico prediction for this alteration is inconclusive. Missense and in-frame variants in SMARCE1 are known to cause neurodevelopmental disorders; however, such associations with increased risk of meningiomas are exceedingly rare (Kosho T et al. Am J Med Genet C Semin Med Genet. 2014 Sep;166C(3):262-75; Smith JM et al. Nat Genet. 2013 Mar;45(3):295-8). Since supporting evidence is limited at this time, the clinical significance of this alteration remains unclear.